The following is an entry in ClinVar:

ClinVar aggregate classification (germline): Pathogenic. Review status: reviewed by expert panel (3 of 4 stars). 10 submissions from 10 submitters: Pathogenic (1). 9 of the submissions do not count toward it. Last evaluated 2019-06-18.

Conditions:
Hereditary cancer-predisposing syndrome. Also called: Tumor predisposition; Neoplastic Syndromes, Hereditary; Hereditary Cancer Syndrome; Hereditary neoplastic syndrome. Identifiers: Orphanet 140162, MedGen C0027672, MeSH D009386, MONDO:0015356.
Hereditary breast ovarian cancer syndrome. Also called: Hereditary breast and ovarian cancer syndrome (HBOC); Hereditary breast and ovarian cancer syndrome; Hereditary breast and ovarian cancer; Hereditary breast and/or ovarian cancer syndrome; Breast and ovarian cancer; BRCA1- and BRCA2-Associated Hereditary Breast and Ovarian Cancer. Identifiers: Orphanet 145, MedGen C0677776, MeSH D061325, MONDO:0003582. Disease mechanism: loss of function.
Breast-ovarian cancer, familial, susceptibility to, 1 (BROVCA1). Also called: OVARIAN CANCER, SUSCEPTIBILITY TO; BRCA1 Hereditary Breast and Ovarian Cancer. Identifiers: Orphanet 145, MedGen C2676676, MONDO:0011450, OMIM 604370. Disease mechanism: loss of function.

Allele frequency attached by ClinVar (database versions not stated): gnomAD exomes below 0.00001.
gnomAD v4.1: 4 of 1,590,448 alleles (0.00025%); highest among the groups gnomAD compares: Non-Finnish European, 0.00034%; no homozygotes.

Submissions 1 to 9 of 11:

Evidence-based Network for the Interpretation of Germline Mutant Alleles (ENIGMA)
Classification: Pathogenic for Breast-ovarian cancer, familial, susceptibility to, 1. Last evaluated: 2019-06-18. Review status: reviewed by expert panel. Criteria: ENIGMA BRCA1/2 Classification Criteria (2017-06-29). Collection method: curation. Allele origin: germline.
Comment: IARC class based on posterior probability from multifactorial likelihood analysis, thresholds for class as per Plon et al. 2008 (PMID: 18951446). Class 5 based on posterior probability = 1

GeneDx
Classification: Likely pathogenic. Last evaluated: 2024-03-14. Review status: criteria provided, single submitter. Criteria: GeneDx Variant Classification Process June 2021. Collection method: clinical testing. Allele origin: germline. Affected: yes. Not counted in ClinVar's aggregate classification.
Comment: In silico analysis supports that this missense variant has a deleterious effect on protein structure/function; Not observed at significant frequency in large population cohorts (gnomAD); Also known as 259G>A; This variant is associated with the following publications: (PMID: 12360411, 25823446, 31131967, 30209399, 22762150, 32741062, 33087888, 29255180, 24389207, 20104584, 8944023, 29446198)

Institute for Clinical Genetics, University Hospital TU Dresden, University Hospital TU Dresden
Classification: Likely pathogenic. Last evaluated: 2021-11-03. Review status: criteria provided, single submitter. Criteria: ACMG Guidelines, 2015. Collection method: clinical testing. Allele origin: germline. Not counted in ClinVar's aggregate classification.

Labcorp Genetics (formerly Invitae), Labcorp
Classification: Likely pathogenic for Hereditary breast ovarian cancer syndrome. Last evaluated: 2021-10-08. Review status: criteria provided, single submitter. Criteria: Invitae Variant Classification Sherloc (09022015). Collection method: clinical testing. Allele origin: germline. Not counted in ClinVar's aggregate classification.
Comment: In summary, the currently available evidence indicates that the variant is pathogenic, but additional data are needed to prove that conclusively. Therefore, this variant has been classified as Likely Pathogenic. Experimental studies have shown that this missense change affects BRCA1 function (PMID: 22843421, 25823446, 30209399, 31131967). Based on a multifactorial likelihood algorithm using genetic, in silico, and/or statistical data, this variant has been determined to have a high probability of being pathogenic (PMID: 31131967). ClinVar contains an entry for this variant (Variation ID: 54246). This missense change has been observed in individual(s) with possible hereditary breast and/or ovarian cancer (PMID: 9150149, 11118466, 12360411, 17826769, 22762150, 29446198). This variant is not present in population databases (ExAC no frequency). This sequence change replaces cysteine with tyrosine at codon 47 of the BRCA1 protein (p.Cys47Tyr). The cysteine residue is highly conserved and there is a large physicochemical difference between cysteine and tyrosine.

Color Diagnostics, LLC DBA Color Health
Classification: Likely pathogenic for Hereditary cancer-predisposing syndrome. Last evaluated: 2021-05-07. Review status: criteria provided, single submitter. Criteria: ACMG Guidelines, 2015. Collection method: clinical testing. Allele origin: germline. Not counted in ClinVar's aggregate classification.
Comment: This missense variant replaces cysteine with tyrosine at codon 47 of the BRCA1 protein. The impacted reference cysteine is one of the eight conserved cysteine/histidine for the zinc finger motif in the RING domain (PMID: 11526114). Computational prediction suggests that this variant may have deleterious impact on protein structure and function (internally defined REVEL score threshold >= 0.7, PMID: 27666373). A functional study has reported that this variant impacts BRCA1 function in a haploid human cell proliferation assay (PMID: 30209399). This variant has been reported in at least one individual affected with breast cancer (PMID: 8602198) and multiple suspected hereditary breast and ovarian cancer families (PMID: 21120943, 22762150, 25685387, 29446198). This variant also has been reported with a segregation likelihood ratio for pathogenicity of 13545 from three families and a tumor pathology likelihood ratio of 60.31 (PMID: 31131967). This variant has not been identified in the general population by the Genome Aggregation Database (gnomAD). Based on the available evidence, this variant is classified as Likely Pathogenic.

Women's Health and Genetics/Laboratory Corporation of America, LabCorp
Classification: Pathogenic for Hereditary breast and ovarian cancer syndrome. Last evaluated: 2019-11-20. Review status: criteria provided, single submitter. Criteria: LabCorp Variant Classification Summary - May 2015. Collection method: clinical testing. Allele origin: germline. Not counted in ClinVar's aggregate classification.
Comment: Variant Summary: BRCA1 c.140G>A (p.Cys47Tyr) results in a non-conservative amino acid change located in the Zinc finger, RING-type domain (IPR001841) of the encoded protein sequence, and has been implicated to "likely to result in a defective protein, as this cysteine residue is a major constituent of the BRCA1 ring finger" (Ithier_1996). Five of five in-silico tools predict a damaging effect of the variant on protein function with multiple publications citing the variant as "disease-causing," although with limited information, predominantly based on in silico programs (example, Martelotto_2014). The variant was absent in 249656 control chromosomes (gnomAD). The variant, c.140G>A, has been reported in the literature in multiple individuals affected with breast and/or ovarian cancer (Ithier_1996, Hondow_2011, Golmard _2017, Rebbeck_2018) and the UMD database cites the variant in 31 individuals with a classification of "Causal," with no additional information for an independent evaluation. These data indicate that the variant is very likely to be associated with disease. Two ClinVar submitters (evaluation after 2014) cite the variant as likely pathogenic/pathogenic. Based on the evidence outlined above, the variant was re-classified as pathogenic.

Consortium of Investigators of Modifiers of BRCA1/2 (CIMBA), c/o University of Cambridge
Classification: Pathogenic for Breast-ovarian cancer, familial, susceptibility to, 1. Last evaluated: 2015-10-02. Review status: criteria provided, single submitter. Criteria: CIMBA Mutation Classification guidelines May 2016. Collection method: clinical testing. Allele origin: germline. Not counted in ClinVar's aggregate classification.

Brotman Baty Institute, University of Washington
No classification provided (evidence only). Condition: Breast-ovarian cancer, familial 1. Review status: no classification provided. Collection method: in vitro. Allele origin: not applicable. Functional consequence: functionally_abnormal. Not counted in ClinVar's aggregate classification.
ClinVar note: "not provided" was previously submitted as the classification for the variant. However, the classification appeared to be based only on an observation of functional data so it was converted to no classification on 2025-07-30.

Clinical Genetics Laboratory, Department of Pathology, Netherlands Cancer Institute
Classification: Pathogenic. Review status: no assertion criteria provided. Collection method: clinical testing. Allele origin: germline. Affected: yes. Study: VKGL Data-share Consensus. Not counted in ClinVar's aggregate classification.

NM_007294.4(BRCA1):c.140G>A (p.Cys47Tyr)

Gene: BRCA1 (BRCA1 DNA repair associated; minus strand). Cytogenetic location: 17q21.31.
Variant type: single nucleotide variant.
Coding change: c.140G>A on transcript NM_007294.4 (MANE Select); coding-DNA position 140, G replaced by A.
Protein change: p.Cys47Tyr; replaces cysteine 47 with tyrosine.
Molecular consequence: missense variant. On other transcripts: 5 prime UTR variant (163), intron variant (34).
Genome position (GRCh38, 1-based): chr17:43,106,528, C>T on the plus strand (G>A on the coding strand, the complement: BRCA1 is on the minus strand). VCF-style: chr17-43106528-C-T. GRCh37 (hg19) VCF-style: chr17-41258545-C-T.
Other names: c.140G>A, p.Cys47Tyr (NM_001407674.1, NM_001407675.1, NM_001407676.1 and 168 more transcripts); c.-2G>A (NM_001407692.1, NM_001407694.1, NM_001407695.1 and 99 more transcripts); c.-49G>A (NM_001407853.1, NM_001407879.1, NM_001407881.1 and 58 more transcripts); c.-218-11668G>A (NM_001407967.1, NM_001407966.1); c.-169-1572G>A (NM_001407959.1, NM_001407962.1, NM_001408512.1 and 4 more transcripts); c.81-1572G>A (NM_001408451.1); c.135-1572G>A (NM_001408475.1, NM_001407875.1, NM_001407659.1 and 21 more transcripts); short protein forms C47Y.
Identifiers: ClinVar variation 54246 (VCV000054246.28), dbSNP rs80357150, ClinGen allele CA000951.
Genomic context (GRCh38, chr17:43,106,528, plus strand): 5'-TCATTCTTACATAAAGGACACTGTGAAGGCCCTTTCTTCTGGTTGAGAAGTTTCAGCATG[C>T]AAAATCTATAAATTATAAAGAAAGAAAGAACAATTTAATTTACTTCCTTTTGTAGAAAGA-3'
Protein context (NP_009225.1, residues 37-57): TKCDHIFCKF[Cys47Tyr]MLKLLNQKKG